The following is an entry in ClinVar:

NM_182641.4(BPTF):c.6952G>A (p.Ala2318Thr)

Gene: BPTF (bromodomain PHD finger transcription factor; plus strand). Cytogenetic location: 17q24.2.
Variant type: single nucleotide variant.
Coding change: c.6952G>A on transcript NM_182641.4 (MANE Select); coding-DNA position 6952, G replaced by A.
Protein change: p.Ala2318Thr; replaces alanine 2318 with threonine.
Molecular consequence: missense variant.
Genome position (GRCh38, 1-based): chr17:67,945,660, G>A. VCF-style: chr17-67945660-G-A. GRCh37 (hg19) VCF-style: chr17-65941776-G-A.
Other names: c.7330G>A, p.Ala2444Thr (NM_004459.7); short protein forms A2318T, A2444T.
Identifiers: ClinVar variation 1031426 (VCV001031426.1), dbSNP rs1485631536, ClinGen allele CA400724053.

ClinVar aggregate classification (germline): Uncertain significance (1 of 4 stars; one submission).

Conditions:
Neurodevelopmental disorder with dysmorphic facies and distal limb anomalies. Identifiers: Orphanet 686482, MedGen C4540327, MONDO:0060596, OMIM 617755.

Allele frequency attached by ClinVar (database versions not stated): gnomAD 0.00001; gnomAD exomes 0.00001; TOPMed 0.00002.
gnomAD v4.1: 5 of 1,613,812 alleles (0.00031%); highest among the groups gnomAD compares: Admixed American, 0.0017%; no homozygotes.

Submission:

Baylor Genetics
Classification: Uncertain significance for Neurodevelopmental disorder with dysmorphic facies and distal limb anomalies. Last evaluated: 2018-11-29. Review status: criteria provided, single submitter. Criteria: ACMG Guidelines, 2015. Collection method: clinical testing. Allele origin: paternal. Affected: yes.
Comment: This variant was determined to be of uncertain significance according to ACMG Guidelines, 2015 [PMID:25741868].